The following is an entry in ClinVar:

ClinVar aggregate classification (germline): Likely benign. Review status: criteria provided, multiple submitters, no conflicts (2 of 4 stars). 2 submissions from 2 submitters: Likely benign (2). Last evaluated 2026-01-20.

Allele frequency attached by ClinVar (database versions not stated): gnomAD exomes below 0.00001; TOPMed below 0.00001.
gnomAD v4.1: 1 of 1,612,028 alleles (0.000062%); highest among the groups gnomAD compares: Admixed American, 0.0017%; no homozygotes.

Submissions (2):

Labcorp Genetics (formerly Invitae), Labcorp
Classification: Likely benign. Last evaluated: 2026-01-20. Review status: criteria provided, single submitter. Criteria: Invitae Variant Classification Sherloc (09022015). Collection method: clinical testing. Allele origin: germline.

Laboratory for Molecular Medicine, Mass General Brigham Personalized Medicine
Classification: Likely benign. Last evaluated: 2013-06-21. Review status: criteria provided, single submitter. Criteria: LMM Criteria. Collection method: clinical testing. Allele origin: germline. Observed: 1 variant allele.
Comment: Phe255Phe in exon 8 of MYO7A: This variant is not expected to have clinical sig nificance because it does not alter an amino acid residue and is not located wit hin the splice consensus sequence.

NM_000260.4(MYO7A):c.765C>T (p.Phe255=)

Gene: MYO7A (myosin VIIA; plus strand). Cytogenetic location: 11q13.5.
Variant type: single nucleotide variant.
Coding change: c.765C>T on transcript NM_000260.4 (MANE Select); coding-DNA position 765, C replaced by T.
Protein change: p.Phe255=; no amino-acid change (phenylalanine 255 retained).
Molecular consequence: synonymous variant.
Genome position (GRCh38, 1-based): chr11:77,157,308, C>T. VCF-style: chr11-77157308-C-T. GRCh37 (hg19) VCF-style: chr11-76868354-C-T.
Other names: c.765C>T, p.Phe255= (NM_001127180.2); c.732C>T, p.Phe244= (NM_001369365.1).
Identifiers: ClinVar variation 179069 (VCV000179069.7), dbSNP rs782702948, ClinGen allele CA183668.